The following is an entry in ClinVar:

NM_198578.4(LRRK2):c.1741T>A (p.Ser581Thr)

Gene: LRRK2 (leucine rich repeat kinase 2; plus strand). Cytogenetic location: 12q12.
Variant type: single nucleotide variant.
Coding change: c.1741T>A on transcript NM_198578.4 (MANE Select); coding-DNA position 1741, T replaced by A.
Protein change: p.Ser581Thr; replaces serine 581 with threonine.
Molecular consequence: missense variant.
Genome position (GRCh38, 1-based): chr12:40,274,667, T>A. VCF-style: chr12-40274667-T-A. GRCh37 (hg19) VCF-style: chr12-40668469-T-A.
Other names: short protein forms S581T.
Identifiers: ClinVar variation 1779211 (VCV001779211.2), dbSNP rs551593576, ClinGen allele CA6513443.

ClinVar aggregate classification (germline): Uncertain significance (1 of 4 stars; one submission).

Conditions:
Inborn genetic diseases. Identifiers: MedGen C0950123, MeSH D030342.

Allele frequency attached by ClinVar (database versions not stated): TOPMed below 0.00001; gnomAD 0.00001; gnomAD exomes 0.00001; ExAC 0.00002; 1000 Genomes Project 0.00020; 1000 Genomes Project 30x 0.00031.
gnomAD v4.1: 9 of 1,614,030 alleles (0.00056%); highest among the groups gnomAD compares: East Asian, 0.0022%; no homozygotes.

Submission:

Ambry Genetics
Classification: Uncertain significance for Inborn genetic diseases. Last evaluated: 2024-03-25. Review status: criteria provided, single submitter. Criteria: Ambry Variant Classification Scheme 2023. Collection method: clinical testing. Allele origin: germline.
Comment: The p.S581T variant (also known as c.1741T>A), located in coding exon 15 of the LRRK2 gene, results from a T to A substitution at nucleotide position 1741. The serine at codon 581 is replaced by threonine, an amino acid with similar properties. This amino acid position is conserved. In addition, this alteration is predicted to be tolerated by in silico analysis. Since supporting evidence is limited at this time, the clinical significance of this alteration remains unclear.